The following is an entry in ClinVar:

ClinVar aggregate classification (germline): Uncertain significance (1 of 4 stars; one submission).

Allele frequency attached by ClinVar (database versions not stated): gnomAD exomes below 0.00001 and 0.00001.

Submission:

GeneDx
Classification: Uncertain significance. Last evaluated: 2021-01-26. Review status: criteria provided, single submitter. Criteria: GeneDx Variant Classification Process June 2021. Collection method: clinical testing. Allele origin: germline. Affected: yes.
Comment: Not observed at a significant frequency in large population cohorts (Lek et al., 2016); In silico analysis supports that this missense variant does not alter protein structure/function; This variant is associated with the following publications: (PMID: 31070086)

NM_021098.3(CACNA1H):c.2041G>T (p.Val681Leu)

Gene: CACNA1H (calcium voltage-gated channel subunit alpha1 H; plus strand). Cytogenetic location: 16p13.3.
Variant type: single nucleotide variant.
Coding change: c.2041G>T on transcript NM_021098.3 (MANE Select); coding-DNA position 2041, G replaced by T.
Protein change: p.Val681Leu; replaces valine 681 with leucine.
Molecular consequence: missense variant.
Genome position (GRCh38, 1-based): chr16:1,204,048, G>T. VCF-style: chr16-1204048-G-T. GRCh37 (hg19) VCF-style: chr16-1254048-G-T.
Other names: c.2041G>T, p.Val681Leu (NM_001005407.2); short protein forms V681L.
Identifiers: ClinVar variation 1320863 (VCV001320863.2), dbSNP rs1347965086, ClinGen allele CA394165365.
Genomic context (GRCh38, chr16:1,204,048, plus strand): 5'-CTGTCTGTGCCCTCTCCCGCAGGACTGGGCCAGGCCCCTGGCCATCTGTCGGGCCTCAGT[G>T]TGCCCTGCCCCCTGCCCAGCCCCCCAGCGGGCACACTGACCTGTGAGCTGAAGAGCTGCC-3'
Protein context (NP_066921.2, residues 671-691): QAPGHLSGLS[Val681Leu]PCPLPSPPAG